The following is an entry in ClinVar:

NM_001378454.1(ALMS1):c.3145T>A (p.Ser1049Thr)

Gene: ALMS1 (ALMS1 centrosome and basal body associated protein; plus strand). Cytogenetic location: 2p13.1.
Variant type: single nucleotide variant.
Coding change: c.3145T>A on transcript NM_001378454.1 (MANE Select); coding-DNA position 3145, T replaced by A.
Protein change: p.Ser1049Thr; replaces serine 1049 with threonine.
Molecular consequence: missense variant.
Genome position (GRCh38, 1-based): chr2:73,449,672, T>A. VCF-style: chr2-73449672-T-A. GRCh37 (hg19) VCF-style: chr2-73676799-T-A.
Other names: c.3148T>A, p.Ser1050Thr (NM_015120.4); short protein forms S1049T, S1050T.
Identifiers: ClinVar variation 2170675 (VCV002170675.1), dbSNP rs2466097067, ClinGen allele CA347273970.
Genomic context (GRCh38, chr2:73,449,672, plus strand): 5'-GTTTCAACTGGCCCTGGACCAGCTGACCAGAAGACTGAGATACCAGCAGTACAGTCTAGT[T>A]CTTACCCACAGAGGGAGAAGCCTAGTGTTTTGTACCCACAGGTGTTATCAGACAGTCATC-3'
Protein context (NP_001365383.1, residues 1039-1059): KTEIPAVQSS[Ser1049Thr]YPQREKPSVL

ClinVar aggregate classification (germline): Uncertain significance (1 of 4 stars; one submission).

Conditions:
Alstrom syndrome (ALMS). Identifiers: Orphanet 64, MedGen C0268425, MONDO:0008763, OMIM 203800.

Allele frequency attached by ClinVar (database versions not stated): gnomAD exomes below 0.00001.
gnomAD v4.1: 1 of 1,614,078 alleles (0.000062%); highest among the groups gnomAD compares: Non-Finnish European, 0.000085%; no homozygotes.

Submission:

Labcorp Genetics (formerly Invitae), Labcorp
Classification: Uncertain significance for Alstrom syndrome. Last evaluated: 2022-05-24. Review status: criteria provided, single submitter. Criteria: Invitae Variant Classification Sherloc (09022015). Collection method: clinical testing. Allele origin: germline.
Comment: This sequence change replaces serine, which is neutral and polar, with threonine, which is neutral and polar, at codon 1050 of the ALMS1 protein (p.Ser1050Thr). This variant is not present in population databases (gnomAD no frequency). This variant has not been reported in the literature in individuals affected with ALMS1-related conditions. Experimental studies and prediction algorithms are not available or were not evaluated, and the functional significance of this variant is currently unknown. In summary, the available evidence is currently insufficient to determine the role of this variant in disease. Therefore, it has been classified as a Variant of Uncertain Significance.